The following is an entry in ClinVar:

NM_013275.6(ANKRD11):c.6313G>T (p.Gly2105Cys)

Gene: ANKRD11 (ankyrin repeat domain 11; minus strand). Cytogenetic location: 16q24.3.
Variant type: single nucleotide variant.
Coding change: c.6313G>T on transcript NM_013275.6 (MANE Select); coding-DNA position 6313, G replaced by T.
Protein change: p.Gly2105Cys; replaces glycine 2105 with cysteine.
Molecular consequence: missense variant.
Genome position (GRCh38, 1-based): chr16:89,280,229, C>A on the plus strand (G>T on the coding strand, the complement: ANKRD11 is on the minus strand). VCF-style: chr16-89280229-C-A. GRCh37 (hg19) VCF-style: chr16-89346637-C-A.
Other names: c.6313G>T, p.Gly2105Cys (NM_001256182.2, NM_001256183.2); short protein forms G2105C.
Identifiers: ClinVar variation 3637130 (VCV003637130.2).
Genomic context (GRCh38, chr16:89,280,229, plus strand): 5'-CGAAGGCGTCCGCCCAGGGCACCGGCTCCACCTGGCCGAGGTGAGACAGGCCGCGGCTGC[C>A]GTCCAGGAAGCTATTTTCCAGGGGCCCCAGAGCCTCCACCTGAGCCACAGCGGCTACACA-3'
Protein context (NP_037407.4, residues 2095-2115): LGPLENSFLD[Gly2105Cys]SRGLSHLGQV

ClinVar aggregate classification (germline): Uncertain significance (1 of 4 stars; one submission).

Conditions:
KBG syndrome (KBGS). Also called: ANKRD11-Related KBG Syndrome. Identifiers: Orphanet 2332, MedGen C0220687, MONDO:0007846, OMIM 148050.

Submission:

Labcorp Genetics (formerly Invitae), Labcorp
Classification: Uncertain significance for KBG syndrome. Last evaluated: 2024-05-16. Review status: criteria provided, single submitter. Criteria: Invitae Variant Classification Sherloc (09022015). Collection method: clinical testing. Allele origin: germline.
Comment: This sequence change replaces glycine, which is neutral and non-polar, with cysteine, which is neutral and slightly polar, at codon 2105 of the ANKRD11 protein (p.Gly2105Cys). This variant is not present in population databases (gnomAD no frequency). This variant has not been reported in the literature in individuals affected with ANKRD11-related conditions. Advanced modeling of protein sequence and biophysical properties (such as structural, functional, and spatial information, amino acid conservation, physicochemical variation, residue mobility, and thermodynamic stability) performed at Invitae indicates that this missense variant is not expected to disrupt ANKRD11 protein function with a negative predictive value of 95%. In summary, the available evidence is currently insufficient to determine the role of this variant in disease. Therefore, it has been classified as a Variant of Uncertain Significance.